The following is an entry in ClinVar:

ClinVar aggregate classification (germline): Uncertain significance (1 of 4 stars; one submission).

Conditions:
Intellectual developmental disorder with nasal speech, dysmorphic facies, and variable skeletal anomalies. Identifiers: MedGen C5231426, MONDO:0032832, OMIM 618608.

Allele frequency attached by ClinVar (database versions not stated): gnomAD exomes below 0.00001.
gnomAD v4.1: 2 of 1,611,476 alleles (0.00012%); highest among the groups gnomAD compares: Non-Finnish European, 0.00017%; no homozygotes.

Submission:

Victorian Clinical Genetics Services, Murdoch Childrens Research Institute
Classification: Uncertain significance for Intellectual developmental disorder with nasal speech, dysmorphic facies, and variable skeletal anomalies. Last evaluated: 2023-07-17. Review status: criteria provided, single submitter. Criteria: ACMG Guidelines, 2015. Collection method: clinical testing. Allele origin: germline. Inheritance: Autosomal dominant inheritance. Affected: yes.
Comment: Based on the classification scheme VCGS_Germline_v1.3.4, this variant is classified as VUS-3B. Following criteria are met: 0102 - Loss of function is a known mechanism of disease in this gene and is associated with intellectual developmental disorder with nasal speech, dysmorphic facies, and variable skeletal anomalies (MIM#618608). (I) 0107 - This gene is associated with autosomal dominant disease. (I) 0200 - Variant is predicted to result in a missense amino acid change from glutamine to arginine. (I) 0251 - This variant is heterozygous. (I) 0301 - Variant is absent from gnomAD (both v2 and v3). (SP) 0502 - Missense variant with conflicting in silico predictions and uninformative conservation. (I) 0600 - Variant is located in the annotated NOT2_3_5 family domain (DECIPHER). (I) 0705 - No comparable missense variants have previous evidence for pathogenicity. (I) 0807 - This variant has no previous evidence of pathogenicity. (I) 0905 - No published segregation evidence has been identified for this variant. (I) 1007 - No published functional evidence has been identified for this variant. (I) 1208 - Inheritance information for this variant is not currently available in this individual. (I) Legend: (SP) - Supporting pathogenic, (I) - Information, (SB) - Supporting benign

NM_014515.7(CNOT2):c.1232A>G (p.Gln411Arg)

Gene: CNOT2 (CCR4-NOT transcription complex subunit 2; plus strand). Cytogenetic location: 12q15.
Variant type: single nucleotide variant.
Coding change: c.1232A>G on transcript NM_014515.7 (MANE Select); coding-DNA position 1232, A replaced by G.
Protein change: p.Gln411Arg; replaces glutamine 411 with arginine.
Molecular consequence: missense variant. On other transcripts: non-coding transcript variant (1).
Genome position (GRCh38, 1-based): chr12:70,342,160, A>G. VCF-style: chr12-70342160-A-G. GRCh37 (hg19) VCF-style: chr12-70735940-A-G.
Other names: c.1232A>G, p.Gln411Arg (NM_001199302.2, NM_001199303.2, NM_001414651.1 and 1 more transcripts); c.1205A>G, p.Gln402Arg (NM_001414653.1, NM_001414654.1, NM_001414655.1); c.1190A>G, p.Gln397Arg (NM_001414656.1); c.1172A>G, p.Gln391Arg (NM_001414657.1, NM_001414658.1, NM_001414659.1 and 1 more transcripts); c.1109A>G, p.Gln370Arg (NM_001414661.1); c.1049A>G, p.Gln350Arg (NM_001414662.1); short protein forms Q350R, Q370R, Q391R, Q397R, Q402R, Q411R.
Identifiers: ClinVar variation 3255120 (VCV003255120.1), dbSNP rs2499223910.